The following is an entry in ClinVar:

ClinVar aggregate classification (germline): Conflicting classifications of pathogenicity. Review status: criteria provided, conflicting classifications (1 of 4 stars). 2 submissions from 2 submitters: Pathogenic (1); Uncertain significance (1). Last evaluated 2026-02-20.

Submissions (2):

GeneDx
Classification: Uncertain significance. Last evaluated: 2026-02-20. Review status: criteria provided, single submitter. Criteria: GeneDx Variant Classification Process June 2021. Collection method: clinical testing. Allele origin: germline.
Comment: Not observed at significant frequency in large population cohorts (gnomAD); Nonsense variant predicted to result in protein truncation or nonsense mediated decay in a gene or region of a gene for which loss of function is not a well-established mechanism of disease; Has not been previously published as pathogenic or benign to our knowledge; Variants in candidate genes are classified as variants of uncertain significance in accordance with ACMG guidelines (PMID: 25741868)

Labcorp Genetics (formerly Invitae), Labcorp
Classification: Pathogenic. Last evaluated: 2025-04-02. Review status: criteria provided, single submitter. Criteria: Invitae Variant Classification Sherloc (09022015). Collection method: clinical testing. Allele origin: germline.
Comment: This sequence change creates a premature translational stop signal (p.Cys883*) in the ADGRL1 gene. It is expected to result in an absent or disrupted protein product. Loss-of-function variants in ADGRL1 are known to be pathogenic (PMID: 35907405). This variant is not present in population databases (gnomAD no frequency). This variant has not been reported in the literature in individuals affected with ADGRL1-related conditions. For these reasons, this variant has been classified as Pathogenic.

Literature cited by the submitters: PubMed 35907405 (cited by Labcorp Genetics (formerly Invitae), Labcorp).

NM_014921.5(ADGRL1):c.2634C>A (p.Cys878Ter)

Genes: ADGRL1 (adhesion G protein-coupled receptor L1; minus strand), ADGRL1-AS1 (ADGRL1 antisense RNA 1; plus strand). Cytogenetic location: 19p13.12.
Variant type: single nucleotide variant.
Coding change: c.2634C>A on transcript NM_014921.5 (MANE Select); coding-DNA position 2634, C replaced by A.
Protein change: p.Cys878Ter; replaces cysteine 878 with a stop codon.
Molecular consequence: nonsense.
Genome position (GRCh38, 1-based): chr19:14,157,362, G>T on the plus strand (C>A on the coding strand, the complement: ADGRL1 is on the minus strand). VCF-style: chr19-14157362-G-T. GRCh37 (hg19) VCF-style: chr19-14268174-G-T.
Other names: c.2649C>A, p.Cys883Ter (NM_001008701.3); c.2649C>A (NM_001008701.2); short protein forms C878*, C883*.
Identifiers: ClinVar variation 4716539 (VCV004716539.2).